The following is an entry in ClinVar:

ClinVar aggregate classification (germline): Uncertain significance (1 of 4 stars; one submission).

Conditions:
Ehlers-Danlos syndrome, kyphoscoliotic type 1 (EDSKSCL1). Also called: EHLERS-DANLOS SYNDROME, TYPE VIA; Ehlers-Danlos syndrome, hydroxylysine-deficient; EHLERS-DANLOS SYNDROME, OCULAR-SCOLIOTIC TYPE; PLOD1-Related Kyphoscoliotic Ehlers-Danlos Syndrome. Identifiers: Orphanet 1900, MedGen C0268342, MONDO:0016002, OMIM 225400. Disease mechanism: loss of function.

Submissions (2):

Labcorp Genetics (formerly Invitae), Labcorp
Classification: Uncertain significance for Ehlers-Danlos syndrome, kyphoscoliotic type 1. Last evaluated: 2021-09-02. Review status: criteria provided, single submitter. Criteria: Invitae Variant Classification Sherloc (09022015). Collection method: clinical testing. Allele origin: germline.
Comment: This sequence change affects codon 193 of the PLOD1 mRNA. It is a 'silent' change, meaning that it does not change the encoded amino acid sequence of the PLOD1 protein. This variant also falls at the last nucleotide of exon 5, which is part of the consensus splice site for this exon. This variant is not present in population databases (ExAC no frequency). This variant has not been reported in the literature in individuals affected with PLOD1-related conditions. Variants that disrupt the consensus splice site are a relatively common cause of aberrant splicing (PMID: 17576681, 9536098). Algorithms developed to predict the effect of sequence changes on RNA splicing suggest that this variant may disrupt the consensus splice site. In summary, the available evidence is currently insufficient to determine the role of this variant in disease. Therefore, it has been classified as a Variant of Uncertain Significance.

Dr. Peter K. Rogan Lab, Western University
No classification provided (evidence only). Condition: Melanoma. Review status: no classification provided. Collection method: in vitro. Allele origin: not applicable. Functional consequence: skipped exon. Not counted in ClinVar's aggregate classification.

Literature cited by the submitters: PubMed 17576681 (cited by Labcorp Genetics (formerly Invitae), Labcorp); PubMed 9536098 (cited by Labcorp Genetics (formerly Invitae), Labcorp).

NM_000302.4(PLOD1):c.579G>A (p.Arg193=)

Gene: PLOD1 (procollagen-lysine,2-oxoglutarate 5-dioxygenase 1; plus strand). Cytogenetic location: 1p36.22.
Variant type: single nucleotide variant.
Coding change: c.579G>A on transcript NM_000302.4 (MANE Select); coding-DNA position 579, G replaced by A.
Protein change: p.Arg193=; no amino-acid change (arginine 193 retained).
Molecular consequence: synonymous variant.
Genome position (GRCh38, 1-based): chr1:11,952,735, G>A. VCF-style: chr1-11952735-G-A. GRCh37 (hg19) VCF-style: chr1-12012792-G-A.
Other names: c.720G>A, p.Arg240= (NM_001316320.2).
Identifiers: ClinVar variation 459824 (VCV000459824.7), dbSNP rs1553134266, ClinGen allele CA416103980.